The following is an entry in ClinVar:

ClinVar aggregate classification (germline): Conflicting classifications of pathogenicity. Review status: criteria provided, conflicting classifications (1 of 4 stars). 6 submissions from 6 submitters: Uncertain significance (5); Likely benign (1). Last evaluated 2026-01-14.

Conditions:
Hereditary nonpolyposis colorectal neoplasms. Identifiers: MedGen C0009405, MeSH D003123.
Hereditary cancer-predisposing syndrome. Also called: Neoplastic Syndromes, Hereditary; Hereditary neoplastic syndrome; Tumor predisposition; Hereditary Cancer Syndrome. Identifiers: Orphanet 140162, MedGen C0027672, MeSH D009386, MONDO:0015356.
Lynch syndrome. Identifiers: Orphanet 144, MedGen C4552100, MONDO:0005835. Disease mechanism: loss of function.
Lynch syndrome 4 (LYNCH4). Also called: Hereditary non-polyposis colorectal cancer, type 4; Colorectal cancer, hereditary nonpolyposis, type 4. Identifiers: Orphanet 144, MedGen C1838333, MONDO:0013699, OMIM 614337. Disease mechanism: loss of function.

gnomAD v4.1: 3 of 1,614,200 alleles (0.00019%); highest among the groups gnomAD compares: Non-Finnish European, 0.00025%; no homozygotes.

Submissions (6):

Labcorp Genetics (formerly Invitae), Labcorp
Classification: Uncertain significance for Hereditary nonpolyposis colorectal neoplasms. Last evaluated: 2026-01-14. Review status: criteria provided, single submitter. Criteria: Invitae Variant Classification Sherloc (09022015). Collection method: clinical testing. Allele origin: germline.
Comment: This sequence change replaces glutamic acid, which is acidic and polar, with aspartic acid, which is acidic and polar, at codon 411 of the PMS2 protein (p.Glu411Asp). This variant is not present in population databases (gnomAD no frequency). This variant has not been reported in the literature in individuals affected with PMS2-related conditions. ClinVar contains an entry for this variant (Variation ID: 237881). Invitae Evidence Modeling incorporating data from in vitro experimental studies (internal data) indicates that this missense variant is not expected to disrupt PMS2 function with a negative predictive value of 95%. In summary, the available evidence is currently insufficient to determine the role of this variant in disease. Therefore, it has been classified as a Variant of Uncertain Significance.

All of Us Research Program, National Institutes of Health
Classification: Uncertain significance for Lynch syndrome. Last evaluated: 2024-08-06. Review status: criteria provided, single submitter. Criteria: ACMG Guidelines, 2015. Collection method: clinical testing. Allele origin: germline. Inheritance: Autosomal dominant inheritance. Observed: 1 variant allele, 1 heterozygote.
Comment: This missense variant replaces glutamic acid with aspartic acid at codon 411 of the PMS2 protein. Computational prediction tool suggests that this variant may not impact protein structure and function (internally defined REVEL score threshold <= 0.5, PMID: 27666373). Splice site prediction tools suggest that this variant may not impact RNA splicing. To our knowledge, functional studies have not been performed for this variant. This variant has not been reported in individuals affected with hereditary cancer in the literature. This variant has not been identified in the general population by the Genome Aggregation Database (gnomAD). The available evidence is insufficient to determine the role of this variant in disease conclusively. Therefore, this variant is classified as a Variant of Uncertain Significance.

This study involves interpretation of variants in research participants for the purpose of population health screening. Participant phenotype was not available at the time of variant classification. Additional details can be found in publication PMID: 35346344, PMCID: PMC8962531

Ambry Genetics
Classification: Likely benign for Hereditary cancer-predisposing syndrome. Last evaluated: 2024-02-19. Review status: criteria provided, single submitter. Criteria: Ambry Variant Classification Scheme 2023. Collection method: clinical testing. Allele origin: germline.

Baylor Genetics
Classification: Uncertain significance for Lynch syndrome 4. Last evaluated: 2023-10-24. Review status: criteria provided, single submitter. Criteria: ACMG Guidelines, 2015. Collection method: clinical testing. Allele origin: unknown.

Color Diagnostics, LLC DBA Color Health
Classification: Uncertain significance for Hereditary cancer-predisposing syndrome. Last evaluated: 2021-12-31. Review status: criteria provided, single submitter. Criteria: ACMG Guidelines, 2015. Collection method: clinical testing. Allele origin: germline.
Comment: This missense variant replaces glutamic acid with aspartic acid at codon 411 of the PMS2 protein. Computational prediction tool suggests that this variant may not impact protein structure and function (internally defined REVEL score threshold <= 0.5, PMID: 27666373). Splice site prediction tools suggest that this variant may not impact RNA splicing. To our knowledge, functional studies have not been performed for this variant. This variant has not been reported in individuals affected with hereditary cancer in the literature. This variant has not been identified in the general population by the Genome Aggregation Database (gnomAD). The available evidence is insufficient to determine the role of this variant in disease conclusively. Therefore, this variant is classified as a Variant of Uncertain Significance.

Quest Diagnostics Nichols Institute San Juan Capistrano
Classification: Uncertain significance. Last evaluated: 2017-11-10. Review status: criteria provided, single submitter. Criteria: Quest Diagnostics criteria. Collection method: clinical testing. Allele origin: germline.

NM_000535.7(PMS2):c.1233A>C (p.Glu411Asp)

Gene: PMS2 (PMS1 homolog 2, mismatch repair system component; minus strand). Cytogenetic location: 7p22.1.
Variant type: single nucleotide variant.
Coding change: c.1233A>C on transcript NM_000535.7 (MANE Select); coding-DNA position 1233, A replaced by C.
Protein change: p.Glu411Asp; replaces glutamic acid 411 with aspartic acid.
Molecular consequence: missense variant. On other transcripts: non-coding transcript variant (1).
Genome position (GRCh38, 1-based): chr7:5,987,532, T>G on the plus strand (A>C on the coding strand, the complement: PMS2 is on the minus strand). VCF-style: chr7-5987532-T-G. GRCh37 (hg19) VCF-style: chr7-6027163-T-G.
Other names: c.828A>C, p.Glu276Asp (NM_001322003.2, NM_001322004.2, NM_001322005.2 and 1 more transcripts); c.1077A>C, p.Glu359Asp (NM_001322006.2); c.915A>C, p.Glu305Asp (NM_001322007.2, NM_001322008.2); c.672A>C, p.Glu224Asp (NM_001322010.2); c.300A>C, p.Glu100Asp (NM_001322011.2, NM_001322012.2); c.660A>C, p.Glu220Asp (NM_001322013.2); c.1233A>C, p.Glu411Asp (NM_001322014.2); c.924A>C, p.Glu308Asp (NM_001322015.2); short protein forms E411D, E100D, E276D, E308D, E224D, E305D, E220D, E359D.
Identifiers: ClinVar variation 237881 (VCV000237881.21), dbSNP rs587780040, ClinGen allele CA10582513.